The following is an entry in ClinVar:

ClinVar aggregate classification (germline): Uncertain significance (1 of 4 stars; one submission).

Submission:

GeneDx
Classification: Uncertain significance. Last evaluated: 2025-04-14. Review status: criteria provided, single submitter. Criteria: GeneDx Variant Classification Process June 2021. Collection method: clinical testing. Allele origin: germline. Affected: yes.
Comment: Not observed at significant frequency in large population cohorts (gnomAD); In silico analysis indicates that this missense variant does not alter protein structure/function; Has not been previously published as pathogenic or benign to our knowledge

NM_030912.3(TRIM8):c.775G>A (p.Ala259Thr)

Gene: TRIM8 (tripartite motif containing 8; plus strand). Cytogenetic location: 10q24.32.
Variant type: single nucleotide variant.
Coding change: c.775G>A on transcript NM_030912.3 (MANE Select); coding-DNA position 775, G replaced by A.
Protein change: p.Ala259Thr; replaces alanine 259 with threonine.
Molecular consequence: missense variant. On other transcripts: non-coding transcript variant (1).
Genome position (GRCh38, 1-based): chr10:102,655,188, G>A. VCF-style: chr10-102655188-G-A. GRCh37 (hg19) VCF-style: chr10-104414945-G-A.
Other names: c.679G>A, p.Ala227Thr (NM_001345950.1); short protein forms A227T, A259T.
Identifiers: ClinVar variation 4282247 (VCV004282247.1).